The following is an entry in ClinVar:

NM_020822.3(KCNT1):c.2045G>A (p.Arg682Gln)

Gene: KCNT1 (potassium sodium-activated channel subfamily T member 1; plus strand). Cytogenetic location: 9q34.3.
Variant type: single nucleotide variant.
Coding change: c.2045G>A on transcript NM_020822.3 (MANE Select); coding-DNA position 2045, G replaced by A.
Protein change: p.Arg682Gln; replaces arginine 682 with glutamine.
Molecular consequence: missense variant.
Genome position (GRCh38, 1-based): chr9:135,772,751, G>A. VCF-style: chr9-135772751-G-A. GRCh37 (hg19) VCF-style: chr9-138664597-G-A.
Other names: c.1910G>A, p.Arg637Gln (NM_001272003.2); short protein forms R682Q, R637Q.
Identifiers: ClinVar variation 447646 (VCV000447646.14), dbSNP rs1188425438, ClinGen allele CA375510036.

ClinVar aggregate classification (germline): Conflicting classifications of pathogenicity. Review status: criteria provided, conflicting classifications (1 of 4 stars). 5 submissions from 4 submitters: Uncertain significance (4); Likely benign (1). Last evaluated 2026-09-10.

Conditions:
Developmental and epileptic encephalopathy, 14 (DEE14). Also called: Early infantile epileptic encephalopathy 14. Identifiers: Orphanet 293181, MedGen C3554195, MONDO:0013989, OMIM 614959.
Autosomal dominant nocturnal frontal lobe epilepsy 5. Also called: CILIARY DYSKINESIA, PRIMARY, 28, WITHOUT SITUS INVERSUS; CILIARY DYSKINESIA, PRIMARY, 28, WITH SITUS INVERSUS; Epilepsy, nocturnal frontal lobe, 5; KCNT1-Related Epilepsy. Identifiers: Orphanet 98784, MedGen C3554306, MONDO:0014002, OMIM 615005.
Inborn genetic diseases. Identifiers: MedGen C0950123, MeSH D030342.

Allele frequency attached by ClinVar (database versions not stated): gnomAD exomes 0.00001; gnomAD 0.00003; TOPMed 0.00003.
gnomAD v4.1: 21 of 1,461,866 alleles (0.0014%); highest among the groups gnomAD compares: South Asian, 0.0057%; no homozygotes.

Submissions (5):

Ambry Genetics
Classification: Likely benign for Inborn genetic diseases. Last evaluated: 2026-09-10. Review status: criteria provided, single submitter. Criteria: Ambry Variant Classification Scheme 2023. Collection method: clinical testing. Allele origin: germline.

Labcorp Genetics (formerly Invitae), Labcorp
Classification: Uncertain significance for Autosomal dominant nocturnal frontal lobe epilepsy 5; Developmental and epileptic encephalopathy, 14. Last evaluated: 2025-07-03. Review status: criteria provided, single submitter. Criteria: Invitae Variant Classification Sherloc (09022015). Collection method: clinical testing. Allele origin: germline.
Comment: This sequence change replaces arginine, which is basic and polar, with glutamine, which is neutral and polar, at codon 682 of the KCNT1 protein (p.Arg682Gln). The frequency data for this variant in the population databases is considered unreliable, as metrics indicate poor data quality at this position in the gnomAD database. This missense change has been observed in individual(s) with clinical features of KCNT1-related conditions (internal data). ClinVar contains an entry for this variant (Variation ID: 447646). Invitae Evidence Modeling of protein sequence and biophysical properties (such as structural, functional, and spatial information, amino acid conservation, physicochemical variation, residue mobility, and thermodynamic stability) indicates that this missense variant is not expected to disrupt KCNT1 protein function with a negative predictive value of 80%. In summary, the available evidence is currently insufficient to determine the role of this variant in disease. Therefore, it has been classified as a Variant of Uncertain Significance.

Genome-Nilou Lab
Classification: Uncertain significance for Developmental and epileptic encephalopathy, 14. Last evaluated: 2022-03-15. Review status: criteria provided, single submitter. Criteria: ACMG Guidelines, 2015. Collection method: clinical testing. Allele origin: germline. Affected: no.

Genome-Nilou Lab
Classification: Uncertain significance for Autosomal dominant nocturnal frontal lobe epilepsy 5. Last evaluated: 2022-03-15. Review status: criteria provided, single submitter. Criteria: ACMG Guidelines, 2015. Collection method: clinical testing. Allele origin: germline. Affected: no.

Athena Diagnostics
Classification: Uncertain significance. Last evaluated: 2017-10-25. Review status: criteria provided, single submitter. Criteria: Athena Diagnostics Criteria. Collection method: clinical testing. Allele origin: germline.